The following is an entry in ClinVar:

ClinVar aggregate classification (germline): Likely benign. Review status: criteria provided, multiple submitters, no conflicts (2 of 4 stars). 6 submissions from 6 submitters: Likely benign (5). 1 of the submissions does not count toward it. Last evaluated 2026-01-28.

Conditions:
Alstrom syndrome (ALMS). Identifiers: Orphanet 64, MedGen C0268425, MONDO:0008763, OMIM 203800.
Cardiovascular phenotype. Identifiers: MedGen CN230736.

Allele frequency attached by ClinVar (database versions not stated): gnomAD 0.00004 and 0.00005; gnomAD exomes 0.00004 and 0.00013; TOPMed 0.00004; ExAC 0.00005; 1000 Genomes Project 30x 0.00016; 1000 Genomes Project 0.00020.
gnomAD v4.1: 189 of 1,614,122 alleles (0.012%); highest among the groups gnomAD compares: Non-Finnish European, 0.015%; no homozygotes.

Submissions (6):

Labcorp Genetics (formerly Invitae), Labcorp
Classification: Likely benign for Alstrom syndrome. Last evaluated: 2026-01-28. Review status: criteria provided, single submitter. Criteria: Invitae Variant Classification Sherloc (09022015). Collection method: clinical testing. Allele origin: germline.

Blueprint Genetics
Classification: Likely benign. Last evaluated: 2023-07-12. Review status: criteria provided, single submitter. Criteria: ACMG Guidelines, 2015. Collection method: clinical testing. Allele origin: germline.

Fulgent Genetics
Classification: Likely benign for Alstrom syndrome. Last evaluated: 2021-09-13. Review status: criteria provided, single submitter. Criteria: ACMG Guidelines, 2015. Collection method: clinical testing. Allele origin: unknown.

Ambry Genetics
Classification: Likely benign for Cardiovascular phenotype. Last evaluated: 2019-06-10. Review status: criteria provided, single submitter. Criteria: Ambry Variant Classification Scheme 2023. Collection method: clinical testing. Allele origin: germline.

Laboratory for Molecular Medicine, Mass General Brigham Personalized Medicine
Classification: Likely benign. Last evaluated: 2017-08-23. Review status: criteria provided, single submitter. Criteria: LMM Criteria. Collection method: clinical testing. Allele origin: germline. Observed: 1 variant allele.
Comment: p.Arg3619Arg in exon 16 of ALMS1: This variant is not expected to have clinical significance because it does not alter an amino acid residue and is not located within the splice consensus sequence. It has been identified in 0.01% (6/66646) of European chromosomes by the Exome Aggregation Consortium (ExAC; dbSNP rs201598829).

Natera, Inc.
Classification: Likely benign for Alstrom syndrome. Last evaluated: 2021-01-13. Review status: no assertion criteria provided. Collection method: clinical testing. Allele origin: germline. Not counted in ClinVar's aggregate classification.

NM_001378454.1(ALMS1):c.10858A>C (p.Arg3620=)

Gene: ALMS1 (ALMS1 centrosome and basal body associated protein; plus strand). Cytogenetic location: 2p13.1.
Variant type: single nucleotide variant.
Coding change: c.10858A>C on transcript NM_001378454.1 (MANE Select); coding-DNA position 10858, A replaced by C.
Protein change: p.Arg3620=; no amino-acid change (arginine 3620 retained).
Molecular consequence: synonymous variant.
Genome position (GRCh38, 1-based): chr2:73,572,735, A>C. VCF-style: chr2-73572735-A-C. GRCh37 (hg19) VCF-style: chr2-73799862-A-C.
Other names: c.10861A>C, p.Arg3621= (NM_015120.4).
Identifiers: ClinVar variation 667071 (VCV000667071.20), dbSNP rs201598829, ClinGen allele CA1715075.